The following is an entry in ClinVar:

ClinVar aggregate classification (germline): Uncertain significance (1 of 4 stars; one submission).

Conditions:
Leukocyte adhesion deficiency 3. Also called: INTEGRIN ACTIVATION DEFICIENCY DISEASE; LEUKOCYTE ADHESION DEFICIENCY 1 VARIANT; Leukocyte adhesion deficiency, type III. Identifiers: Orphanet 2968, Orphanet 99844, MedGen C2748536, MONDO:0013016, OMIM 612840.

Submission:

Labcorp Genetics (formerly Invitae), Labcorp
Classification: Uncertain significance for Leukocyte adhesion deficiency 3. Last evaluated: 2023-09-25. Review status: criteria provided, single submitter. Criteria: Invitae Variant Classification Sherloc (09022015). Collection method: clinical testing. Allele origin: germline.
Comment: In summary, the available evidence is currently insufficient to determine the role of this variant in disease. Therefore, it has been classified as a Variant of Uncertain Significance. Experimental studies and prediction algorithms are not available or were not evaluated, and the functional significance of this variant is currently unknown. This variant has not been reported in the literature in individuals affected with FERMT3-related conditions. This variant is not present in population databases (gnomAD no frequency). This sequence change results in a frameshift in the FERMT3 gene (p.Asn597Metfs*173). While this is not anticipated to result in nonsense mediated decay, it is expected to disrupt the last 67 amino acid(s) of the FERMT3 protein and extend the protein by 105 additional amino acid residues.

NM_031471.6(FERMT3):c.1790del (p.Asn597fs)

Gene: FERMT3 (FERM domain containing kindlin 3; plus strand). Cytogenetic location: 11q13.1.
Variant type: Deletion.
Coding change: c.1790del on transcript NM_031471.6 (MANE Select); coding-DNA position 1790, one base deleted (A; older notation c.1790delA).
Protein change: p.Asn597fs; shifts the reading frame from asparagine 597.
Molecular consequence: frameshift variant.
Genome position (GRCh38, 1-based): chr11:64,223,167, A deleted; the last of 2 consecutive A bases (chr11:64,223,166-64,223,167); deleting either gives the same sequence. VCF-style (leftmost placement, unchanged base first): chr11-64223165-GA-G. GRCh37 (hg19) VCF-style: chr11-63990637-GA-G.
Other names: c.1790del, p.Asn597fs (NM_001382361.1, NM_001382448.1); c.1802del, p.Asn601fs (NM_001382362.1, NM_178443.3); c.1250del, p.Asn417fs (NM_001382363.1); c.1262del, p.Asn421fs (NM_001382364.1); short protein forms N421fs, N597fs, N601fs, N417fs.
Identifiers: ClinVar variation 2753871 (VCV002753871.3), dbSNP rs2496050786, ClinGen allele CA2614112118.
Genomic context (GRCh38, chr11:64,223,165, plus strand): 5'-CATCGACTTGGCCGTGGGCGACGTGGTCAAGACCTGGCGTTTCAGCAACATGCGCCAGTG[GA>G]ATGTCAACTGGGACATCCGGCAGGTGGGCCCAGACCCAGGGTATATGGATGGGGGACAGG-3'